The following is an entry in ClinVar:

NM_020806.5(GPHN):c.1906C>T (p.Pro636Ser)

Gene: GPHN (gephyrin; plus strand). Cytogenetic location: 14q23.3.
Variant type: single nucleotide variant.
Coding change: c.1906C>T on transcript NM_020806.5 (MANE Select); coding-DNA position 1906, C replaced by T.
Protein change: p.Pro636Ser; replaces proline 636 with serine.
Molecular consequence: missense variant.
Genome position (GRCh38, 1-based): chr14:67,159,484, C>T. VCF-style: chr14-67159484-C-T. GRCh37 (hg19) VCF-style: chr14-67626201-C-T.
Other names: c.1807C>T, p.Pro603Ser (NM_001024218.2); c.1966C>T, p.Pro656Ser (NM_001377514.1); c.1936C>T, p.Pro646Ser (NM_001377515.1); c.1927C>T, p.Pro643Ser (NM_001377516.1); c.1879C>T, p.Pro627Ser (NM_001377517.1); c.1864C>T, p.Pro622Ser (NM_001377518.1); c.1846C>T, p.Pro616Ser (NM_001377519.1); short protein forms P627S, P643S, P656S, P603S, P636S, P646S, P616S, P622S.
Identifiers: ClinVar variation 2747358 (VCV002747358.3), dbSNP rs1442065953, ClinGen allele CA390121621.

ClinVar aggregate classification (germline): Uncertain significance (1 of 4 stars; one submission).

Conditions:
Sulfite oxidase deficiency due to molybdenum cofactor deficiency type C. Also called: Molybdenum cofactor deficiency, complementation group C; Molybdenum cofactor deficiency C. Identifiers: Orphanet 308400, Orphanet 833, MedGen C1854990, MONDO:0014212, OMIM 615501.

Submission:

Labcorp Genetics (formerly Invitae), Labcorp
Classification: Uncertain significance for Sulfite oxidase deficiency due to molybdenum cofactor deficiency type C. Last evaluated: 2023-10-25. Review status: criteria provided, single submitter. Criteria: Invitae Variant Classification Sherloc (09022015). Collection method: clinical testing. Allele origin: germline.
Comment: This sequence change replaces proline, which is neutral and non-polar, with serine, which is neutral and polar, at codon 636 of the GPHN protein (p.Pro636Ser). This variant is present in population databases (no rsID available, gnomAD 0.0009%). This variant has not been reported in the literature in individuals affected with GPHN-related conditions. Advanced modeling of protein sequence and biophysical properties (such as structural, functional, and spatial information, amino acid conservation, physicochemical variation, residue mobility, and thermodynamic stability) performed at Invitae indicates that this missense variant is expected to disrupt GPHN protein function with a positive predictive value of 80%. In summary, the available evidence is currently insufficient to determine the role of this variant in disease. Therefore, it has been classified as a Variant of Uncertain Significance.